The following is an entry in ClinVar:

NM_016204.4(GDF2):c.1227G>A (p.Met409Ile)

Gene: GDF2 (growth differentiation factor 2; plus strand). Cytogenetic location: 10q11.22.
Variant type: single nucleotide variant.
Coding change: c.1227G>A on transcript NM_016204.4 (MANE Select); coding-DNA position 1227, G replaced by A.
Protein change: p.Met409Ile; replaces methionine 409 with isoleucine.
Molecular consequence: missense variant.
Genome position (GRCh38, 1-based): chr10:47,325,721, G>A. VCF-style: chr10-47325721-G-A. GRCh37 (hg19) VCF-style: chr10-48413641-C-T.
Other names: short protein forms M409I.
Identifiers: ClinVar variation 3699531 (VCV003699531.1).
Genomic context (GRCh38, chr10:47,325,721, plus strand): 5'-CAAGGCCTGCTGTGTGCCCACCAAACTGAGCCCCATCTCCGTCCTCTACAAGGATGACAT[G>A]GGGGTGCCCACCCTCAAGTACCATTACGAGGGCATGAGCGTGGCAGAGTGTGGGTGCAGG-3'
Protein context (NP_057288.1, residues 399-419): SPISVLYKDD[Met409Ile]GVPTLKYHYE

ClinVar aggregate classification (germline): Uncertain significance (1 of 4 stars; one submission).

Conditions:
Telangiectasia, hereditary hemorrhagic, type 5 (HHT5). Identifiers: Orphanet 774, MedGen C3809710, MONDO:0014217, OMIM 615506.

gnomAD v4.1: 14 of 1,583,418 alleles (0.00088%); highest among the groups gnomAD compares: Middle Eastern, 0.068%; no homozygotes.

Submission:

Labcorp Genetics (formerly Invitae), Labcorp
Classification: Uncertain significance for Telangiectasia, hereditary hemorrhagic, type 5. Last evaluated: 2024-10-22. Review status: criteria provided, single submitter. Criteria: Invitae Variant Classification Sherloc (09022015). Collection method: clinical testing. Allele origin: germline.
Comment: This sequence change replaces methionine, which is neutral and non-polar, with isoleucine, which is neutral and non-polar, at codon 409 of the GDF2 protein (p.Met409Ile). This variant is present in population databases (rs782393389, gnomAD 0.002%). This variant has not been reported in the literature in individuals affected with GDF2-related conditions. Invitae Evidence Modeling of protein sequence and biophysical properties (such as structural, functional, and spatial information, amino acid conservation, physicochemical variation, residue mobility, and thermodynamic stability) indicates that this missense variant is not expected to disrupt GDF2 protein function with a negative predictive value of 80%. In summary, the available evidence is currently insufficient to determine the role of this variant in disease. Therefore, it has been classified as a Variant of Uncertain Significance.